The following is an entry in ClinVar:

NM_001478.5(B4GALNT1):c.19G>A (p.Ala7Thr)

Gene: B4GALNT1 (beta-1,4-N-acetyl-galactosaminyltransferase 1; minus strand). Cytogenetic location: 12q13.3.
Variant type: single nucleotide variant.
Coding change: c.19G>A on transcript NM_001478.5 (MANE Select); coding-DNA position 19, G replaced by A.
Protein change: p.Ala7Thr; replaces alanine 7 with threonine.
Molecular consequence: missense variant.
Genome position (GRCh38, 1-based): chr12:57,632,114, C>T on the plus strand (G>A on the coding strand, the complement: B4GALNT1 is on the minus strand). VCF-style: chr12-57632114-C-T. GRCh37 (hg19) VCF-style: chr12-58025897-C-T.
Other names: c.19G>A, p.Ala7Thr (NM_001276468.2, NM_001276469.2, NM_001413967.1 and 11 more transcripts); c.-885G>A (NM_001413981.1, NM_001413982.1, NM_001413983.1 and 1 more transcripts); c.19G>A (NM_001478.3); short protein forms A7T.
Identifiers: ClinVar variation 1942205 (VCV001942205.4), dbSNP rs542617819, ClinGen allele CA237793996.

ClinVar aggregate classification (germline): Uncertain significance. Review status: criteria provided, multiple submitters, no conflicts (2 of 4 stars). 2 submissions from 2 submitters: Uncertain significance (2). Last evaluated 2023-01-18.

Conditions:
Spastic paraplegia. Identifiers: MedGen C0037772, HP:0001258.
Inborn genetic diseases. Identifiers: MedGen C0950123, MeSH D030342.

Allele frequency attached by ClinVar (database versions not stated): gnomAD exomes below 0.00001; gnomAD 0.00003; TOPMed 0.00005; 1000 Genomes Project 30x 0.00031; 1000 Genomes Project 0.00040.

Submissions (2):

Ambry Genetics
Classification: Uncertain significance for Inborn genetic diseases. Last evaluated: 2023-01-18. Review status: criteria provided, single submitter. Criteria: Ambry Variant Classification Scheme 2023. Collection method: clinical testing. Allele origin: germline.

Labcorp Genetics (formerly Invitae), Labcorp
Classification: Uncertain significance for Spastic paraplegia. Last evaluated: 2022-03-16. Review status: criteria provided, single submitter. Criteria: Invitae Variant Classification Sherloc (09022015). Collection method: clinical testing. Allele origin: germline.
Comment: This sequence change replaces alanine, which is neutral and non-polar, with threonine, which is neutral and polar, at codon 7 of the B4GALNT1 protein (p.Ala7Thr). The frequency data for this variant in the population databases is considered unreliable, as metrics indicate poor data quality at this position in the gnomAD database. This variant has not been reported in the literature in individuals affected with B4GALNT1-related conditions. Algorithms developed to predict the effect of missense changes on protein structure and function are either unavailable or do not agree on the potential impact of this missense change (SIFT: "Tolerated"; PolyPhen-2: "Not Available"; Align-GVGD: "Class C0"). In summary, the available evidence is currently insufficient to determine the role of this variant in disease. Therefore, it has been classified as a Variant of Uncertain Significance.